The following is an entry in ClinVar:

ClinVar aggregate classification (germline): Uncertain significance (1 of 4 stars; one submission).

Submission:

Labcorp Genetics (formerly Invitae), Labcorp
Classification: Uncertain significance. Last evaluated: 2022-04-19. Review status: criteria provided, single submitter. Criteria: Invitae Variant Classification Sherloc (09022015). Collection method: clinical testing. Allele origin: germline.
Comment: In summary, the available evidence is currently insufficient to determine the role of this variant in disease. Therefore, it has been classified as a Variant of Uncertain Significance. Algorithms developed to predict the effect of missense changes on protein structure and function are either unavailable or do not agree on the potential impact of this missense change (SIFT: "Deleterious"; PolyPhen-2: "Possibly Damaging"; Align-GVGD: "Class C15"). This variant has not been reported in the literature in individuals affected with POLE-related conditions. This variant is not present in population databases (gnomAD no frequency). This sequence change replaces lysine, which is basic and polar, with glutamic acid, which is acidic and polar, at codon 658 of the POLE protein (p.Lys658Glu).

NM_006231.4(POLE):c.1972A>G (p.Lys658Glu)

Gene: POLE (DNA polymerase epsilon, catalytic subunit; minus strand). Cytogenetic location: 12q24.33.
Variant type: single nucleotide variant.
Coding change: c.1972A>G on transcript NM_006231.4 (MANE Select); coding-DNA position 1972, A replaced by G.
Protein change: p.Lys658Glu; replaces lysine 658 with glutamic acid.
Molecular consequence: missense variant.
Genome position (GRCh38, 1-based): chr12:132,668,689, T>C on the plus strand (A>G on the coding strand, the complement: POLE is on the minus strand). VCF-style: chr12-132668689-T-C. GRCh37 (hg19) VCF-style: chr12-133245275-T-C.
Other names: short protein forms K658E.
Identifiers: ClinVar variation 2127878 (VCV002127878.4), dbSNP rs2542102008, ClinGen allele CA387355034.